The following is an entry in ClinVar:

NM_004525.3(LRP2):c.3724A>G (p.Ile1242Val)

Gene: LRP2 (LDL receptor related protein 2; minus strand). Cytogenetic location: 2q31.1.
Variant type: single nucleotide variant.
Coding change: c.3724A>G on transcript NM_004525.3 (MANE Select); coding-DNA position 3724, A replaced by G.
Protein change: p.Ile1242Val; replaces isoleucine 1242 with valine.
Molecular consequence: missense variant.
Genome position (GRCh38, 1-based): chr2:169,241,309, T>C on the plus strand (A>G on the coding strand, the complement: LRP2 is on the minus strand). VCF-style: chr2-169241309-T-C. GRCh37 (hg19) VCF-style: chr2-170097819-T-C.
Other names: short protein forms I1242V.
Identifiers: ClinVar variation 1367564 (VCV001367564.4), dbSNP rs764203713, ClinGen allele CA1954949.

ClinVar aggregate classification (germline): Uncertain significance. Review status: criteria provided, multiple submitters, no conflicts (2 of 4 stars). 2 submissions from 2 submitters: Uncertain significance (2). Last evaluated 2022-08-22.

Conditions:
Donnai-Barrow syndrome. Also called: DBS/FOAR SYNDROME; FACIOOCULOACOUSTICORENAL SYNDROME. Identifiers: Orphanet 2143, MedGen C1857277, MONDO:0009104, OMIM 222448.

Allele frequency attached by ClinVar (database versions not stated): gnomAD exomes below 0.00001; ExAC 0.00001.
gnomAD v4.1: 5 of 1,614,166 alleles (0.00031%); highest among the groups gnomAD compares: Middle Eastern, 0.016%; no homozygotes.

Submissions (2):

Labcorp Genetics (formerly Invitae), Labcorp
Classification: Uncertain significance. Last evaluated: 2022-08-22. Review status: criteria provided, single submitter. Criteria: Invitae Variant Classification Sherloc (09022015). Collection method: clinical testing. Allele origin: germline.
Comment: This sequence change replaces isoleucine, which is neutral and non-polar, with valine, which is neutral and non-polar, at codon 1242 of the LRP2 protein (p.Ile1242Val). This variant is present in population databases (rs764203713, gnomAD 0.0009%). This variant has not been reported in the literature in individuals affected with LRP2-related conditions. ClinVar contains an entry for this variant (Variation ID: 1367564). Advanced modeling of protein sequence and biophysical properties (such as structural, functional, and spatial information, amino acid conservation, physicochemical variation, residue mobility, and thermodynamic stability) performed at Invitae indicates that this missense variant is not expected to disrupt LRP2 protein function. In summary, the available evidence is currently insufficient to determine the role of this variant in disease. Therefore, it has been classified as a Variant of Uncertain Significance.

Fulgent Genetics
Classification: Uncertain significance for Donnai-Barrow syndrome. Last evaluated: 2022-01-04. Review status: criteria provided, single submitter. Criteria: ACMG Guidelines, 2015. Collection method: clinical testing. Allele origin: unknown.